The following is an entry in ClinVar:

ClinVar aggregate classification (germline): Likely pathogenic. Review status: reviewed by expert panel (3 of 4 stars). 2 submissions from 2 submitters: Likely pathogenic (1). 1 of the submissions does not count toward it. Last evaluated 2025-07-11.

Conditions:
Hereditary thrombocytopenia and hematologic cancer predisposition syndrome. Identifiers: Orphanet 71290, MedGen CN281654, MONDO:0011071.
Inborn genetic diseases. Identifiers: MedGen C0950123, MeSH D030342.

Submissions (2):

ClinGen Myeloid Malignancy Variant Curation Expert Panel
Classification: Likely pathogenic for Hereditary thrombocytopenia and hematologic cancer predisposition syndrome. Last evaluated: 2025-07-11. Review status: reviewed by expert panel. Criteria: ClinGen MyeloMalig ACMG Specifications v2. Collection method: curation. Allele origin: germline. Inheritance: Autosomal dominant inheritance.
Comment: NM_001754.5(RUNX1):c.1413_1415delinsG (p.Leu472fs) is a frameshift variant which is not predicted to undergo nonsense-mediated decay, and the truncated/altered region is critical for protein function (frameshift (+) c.780-c.1440 as per VCEP specifications) (PVS1_Strong, PM5_supporting). This variant is completely absent from all population databases with at least 20x coverage for RUNX1 (PM2_supporting). It was found to co-segregate with disease in multiple affected family members, with six meioses observed in one family (PP1_moderate; PMID: 24353905). This variant has been reported in one proband meeting at least one of the RUNX1-phenotypic criteria (PS4_supporting; PMID: 24353905). In summary, this variant meets criteria to be classified as likely pathogenic. ACMG/AMP criteria applied, as specified by the Myeloid Malignancy Variant Curation Expert Panel for RUNX1: PVS1_strong, PP1_moderate, PM2_supporting, PM5_supporting, PS4_supporting.

Ambry Genetics
Classification: Uncertain significance for Inborn genetic diseases. Last evaluated: 2025-02-21. Review status: criteria provided, single submitter. Criteria: Ambry Variant Classification Scheme 2023. Collection method: clinical testing. Allele origin: germline. Not counted in ClinVar's aggregate classification.
Comment: The c.1413_1415delCCTinsG variant, located in coding exon 8 of the RUNX1 gene, results from the deletion of 3 nucleotides and insertion of one nucleotide causing a translational frameshift with a predicted alternate stop codon (p.L472Gfs*127). This alteration occurs at the 3' terminus of the RUNX1 gene, is not expected to trigger nonsense-mediated mRNA decay and results in the elongation of the protein by 117 amino acids. This frameshift impacts the last 9 amino acids of the native protein. The exact functional effect of the altered amino acids is unknown. Based on the available evidence, the clinical significance of this variant remains unclear.

NM_001754.5(RUNX1):c.1413_1415delinsG (p.Leu472fs)

Gene: RUNX1 (RUNX family transcription factor 1; minus strand). Cytogenetic location: 21q22.12.
Variant type: Indel.
Coding change: c.1413_1415delinsG on transcript NM_001754.5 (MANE Select); coding-DNA positions 1413 to 1415, CCT replaced by G.
Protein change: p.Leu472fs; shifts the reading frame from leucine 472.
Molecular consequence: frameshift variant.
Genome position (GRCh38, 1-based): chr21:34,792,163-34,792,165, AGG replaced by C on the plus strand (CCT replaced by G on the coding strand, the reverse complement: RUNX1 is on the minus strand). VCF-style: chr21-34792163-AGG-C. GRCh37 (hg19) VCF-style: chr21-36164460-AGG-C.
Other names: NM_001754.5(RUNX1):c.1413_1415delinsG; p.Leu472fs; c.1332_1334delinsG, p.Leu445fs (NM_001001890.3); short protein forms L472fs, L445fs.
Identifiers: ClinVar variation 3791500 (VCV003791500.1).